The following is an entry in ClinVar:

NC_000009.11:g.(?_16418987)_(16870646_?)dup

Gene: BNC2 (basonuclin zinc finger protein 2; minus strand). Cytogenetic location: 9p22.3-22.2.
Variant type: Duplication.
Identifiers: ClinVar variation 2426334 (VCV002426334.4).

ClinVar aggregate classification (germline): Uncertain significance (1 of 4 stars; one submission).

Submission:

Labcorp Genetics (formerly Invitae), Labcorp
Classification: Uncertain significance. Last evaluated: 2022-02-19. Review status: criteria provided, single submitter. Criteria: Invitae Variant Classification Sherloc (09022015). Collection method: clinical testing. Allele origin: germline.
Comment: In summary, the available evidence is currently insufficient to determine the role of this variant in disease. Therefore, it has been classified as a Variant of Uncertain Significance. This variant has not been reported in the literature in individuals affected with BNC2-related conditions. A copy number gain of the genomic region encompassing the full coding sequence of the BNC2 gene has been identified. The boundaries of this event are unknown as they extend beyond the assayed region for this gene and therefore may encompass additional genes. As the precise location of this event is unknown, it may be in tandem or it may be located elsewhere in the genome.